The following is an entry in ClinVar:

ClinVar aggregate classification (germline): Uncertain significance (1 of 4 stars; one submission).

Conditions:
ASH1L-related disorder. Also called: ASH1L-related condition.

Submission:

PreventionGenetics, part of Exact Sciences
Classification: Uncertain significance for ASH1L-related condition. Last evaluated: 2026-04-12. Review status: criteria provided, single submitter. Criteria: ACMG Guidelines, 2015. Collection method: clinical testing. Allele origin: germline.
Comment: The ASH1L c.4511C>T variant is predicted to result in the amino acid substitution p.Thr1504Ile. To our knowledge, this variant has not been reported in the literature or in a large population database (gnomAD), indicating this variant is rare. At this time, the clinical significance of this variant is uncertain due to the absence of conclusive functional and genetic evidence.

NM_018489.3(ASH1L):c.4511C>T (p.Thr1504Ile)

Gene: ASH1L (ASH1 like histone lysine methyltransferase; minus strand). Cytogenetic location: 1q22.
Variant type: single nucleotide variant.
Coding change: c.4511C>T on transcript NM_018489.3 (MANE Select); coding-DNA position 4511, C replaced by T.
Protein change: p.Thr1504Ile; replaces threonine 1504 with isoleucine.
Molecular consequence: missense variant.
Genome position (GRCh38, 1-based): chr1:155,478,359, G>A on the plus strand (C>T on the coding strand, the complement: ASH1L is on the minus strand). VCF-style: chr1-155478359-G-A. GRCh37 (hg19) VCF-style: chr1-155448150-G-A.
Other names: c.4511C>T, p.Thr1504Ile (NM_001366177.2); short protein forms T1504I.
Identifiers: ClinVar variation 4982666 (VCV004982666.1).